The following is an entry in ClinVar:

NM_020207.7(ERCC6L2):c.1999G>A (p.Ala667Thr)

Gene: ERCC6L2 (ERCC excision repair 6 like 2; plus strand). Cytogenetic location: 9q22.32.
Variant type: single nucleotide variant.
Coding change: c.1999G>A on transcript NM_020207.7 (MANE Select); coding-DNA position 1999, G replaced by A.
Protein change: p.Ala667Thr; replaces alanine 667 with threonine.
Molecular consequence: missense variant. On other transcripts: non-coding transcript variant (1).
Genome position (GRCh38, 1-based): chr9:95,966,613, G>A. VCF-style: chr9-95966613-G-A. GRCh37 (hg19) VCF-style: chr9-98728895-G-A.
Other names: c.1999G>A, p.Ala667Thr (NM_001010895.4, NM_001375291.1, NM_001375292.1 and 2 more transcripts); short protein forms A667T.
Identifiers: ClinVar variation 4019297 (VCV004019297.1).

ClinVar aggregate classification (germline): Uncertain significance (1 of 4 stars; one submission).

Conditions:
Inborn genetic diseases. Identifiers: MedGen C0950123, MeSH D030342.

Submission:

Ambry Genetics
Classification: Uncertain significance for Inborn genetic diseases. Last evaluated: 2025-04-07. Review status: criteria provided, single submitter. Criteria: Ambry Variant Classification Scheme 2023. Collection method: clinical testing. Allele origin: germline.
Comment: The p.A667T variant (also known as c.1999G>A), located in coding exon 14 of the ERCC6L2 gene, results from a G to A substitution at nucleotide position 1999. The alanine at codon 667 is replaced by threonine, an amino acid with similar properties. This amino acid position is conserved. In addition, the in silico prediction for this alteration is inconclusive. Based on the available evidence, the clinical significance of this variant remains unclear.